The following is an entry in ClinVar:

NM_020812.4(DOCK6):c.929G>A (p.Arg310Gln)

Gene: DOCK6 (dedicator of cytokinesis 6; minus strand). Cytogenetic location: 19p13.2.
Variant type: single nucleotide variant.
Coding change: c.929G>A on transcript NM_020812.4 (MANE Select); coding-DNA position 929, G replaced by A.
Protein change: p.Arg310Gln; replaces arginine 310 with glutamine.
Molecular consequence: missense variant.
Genome position (GRCh38, 1-based): chr19:11,245,657, C>T on the plus strand (G>A on the coding strand, the complement: DOCK6 is on the minus strand). VCF-style: chr19-11245657-C-T. GRCh37 (hg19) VCF-style: chr19-11356333-C-T.
Other names: c.929G>A (NM_020812.2); c.929G>A, p.Arg310Gln (NM_001367830.1); short protein forms R310Q.
Identifiers: ClinVar variation 2417091 (VCV002417091.4), dbSNP rs1459917180, ClinGen allele CA404112473.

ClinVar aggregate classification (germline): Uncertain significance. Review status: criteria provided, multiple submitters, no conflicts (2 of 4 stars). 2 submissions from 2 submitters: Uncertain significance (2). Last evaluated 2025-09-26.

Conditions:
Inborn genetic diseases. Identifiers: MedGen C0950123, MeSH D030342.

Allele frequency attached by ClinVar (database versions not stated): gnomAD 0.00002; gnomAD exomes below 0.00001; TOPMed 0.00002.

Submissions (2):

Ambry Genetics
Classification: Uncertain significance for Inborn genetic diseases. Last evaluated: 2025-09-26. Review status: criteria provided, single submitter. Criteria: Ambry Variant Classification Scheme 2023. Collection method: clinical testing. Allele origin: germline.

Labcorp Genetics (formerly Invitae), Labcorp
Classification: Uncertain significance. Last evaluated: 2022-06-10. Review status: criteria provided, single submitter. Criteria: Invitae Variant Classification Sherloc (09022015). Collection method: clinical testing. Allele origin: germline.
Comment: This sequence change replaces arginine, which is basic and polar, with glutamine, which is neutral and polar, at codon 310 of the DOCK6 protein (p.Arg310Gln). This variant is present in population databases (no rsID available, gnomAD 0.003%). This variant has not been reported in the literature in individuals affected with DOCK6-related conditions. Algorithms developed to predict the effect of missense changes on protein structure and function (SIFT, PolyPhen-2, Align-GVGD) all suggest that this variant is likely to be tolerated. In summary, the available evidence is currently insufficient to determine the role of this variant in disease. Therefore, it has been classified as a Variant of Uncertain Significance.